The following is an entry in ClinVar:

NM_001287.6(CLCN7):c.239C>T (p.Pro80Leu)

Gene: CLCN7 (chloride voltage-gated channel 7; minus strand). Cytogenetic location: 16p13.3.
Variant type: single nucleotide variant.
Coding change: c.239C>T on transcript NM_001287.6 (MANE Select); coding-DNA position 239, C replaced by T.
Protein change: p.Pro80Leu; replaces proline 80 with leucine.
Molecular consequence: missense variant.
Genome position (GRCh38, 1-based): chr16:1,461,649, G>A on the plus strand (C>T on the coding strand, the complement: CLCN7 is on the minus strand). VCF-style: chr16-1461649-G-A. GRCh37 (hg19) VCF-style: chr16-1511650-G-A.
Other names: c.167C>T, p.Pro56Leu (NM_001114331.3); short protein forms P80L, P56L.
Identifiers: ClinVar variation 3267569 (VCV003267569.3).

ClinVar aggregate classification (germline): Uncertain significance. Review status: criteria provided, multiple submitters, no conflicts (2 of 4 stars). 2 submissions from 2 submitters: Uncertain significance (2). Last evaluated 2024-05-01.

Conditions:
Inborn genetic diseases. Identifiers: MedGen C0950123, MeSH D030342.

gnomAD v4.1: 1 of 1,614,150 alleles (0.000062%); highest among the groups gnomAD compares: Non-Finnish European, 0.000085%; no homozygotes.

Submissions (2):

Labcorp Genetics (formerly Invitae), Labcorp
Classification: Uncertain significance. Last evaluated: 2024-05-01. Review status: criteria provided, single submitter. Criteria: Invitae Variant Classification Sherloc (09022015). Collection method: clinical testing. Allele origin: germline.
Comment: This sequence change replaces proline, which is neutral and non-polar, with leucine, which is neutral and non-polar, at codon 80 of the CLCN7 protein (p.Pro80Leu). This variant is not present in population databases (gnomAD no frequency). This variant has not been reported in the literature in individuals affected with CLCN7-related conditions. Advanced modeling of protein sequence and biophysical properties (such as structural, functional, and spatial information, amino acid conservation, physicochemical variation, residue mobility, and thermodynamic stability) performed at Invitae indicates that this missense variant is not expected to disrupt CLCN7 protein function with a negative predictive value of 95%. In summary, the available evidence is currently insufficient to determine the role of this variant in disease. Therefore, it has been classified as a Variant of Uncertain Significance.

Ambry Genetics
Classification: Uncertain significance for Inborn genetic diseases. Last evaluated: 2024-04-20. Review status: criteria provided, single submitter. Criteria: Ambry Variant Classification Scheme 2023. Collection method: clinical testing. Allele origin: germline.